The following is an entry in ClinVar:

ClinVar aggregate classification (germline): Uncertain significance (1 of 4 stars; one submission).

Conditions:
Fanconi anemia (FA). Also called: Fanconi's anemia. Identifiers: Orphanet 84, MedGen C0015625, MeSH D005199, MONDO:0019391.

Allele frequency attached by ClinVar (database versions not stated): TOPMed 0.00002; gnomAD 0.00003.
gnomAD v4.1: 9 of 1,614,096 alleles (0.00056%); highest among the groups gnomAD compares: African/African-American, 0.004%; no homozygotes.

Submission:

Labcorp Genetics (formerly Invitae), Labcorp
Classification: Uncertain significance for Fanconi anemia. Last evaluated: 2022-08-16. Review status: criteria provided, single submitter. Criteria: Invitae Variant Classification Sherloc (09022015). Collection method: clinical testing. Allele origin: germline.
Comment: This sequence change replaces valine, which is neutral and non-polar, with methionine, which is neutral and non-polar, at codon 846 of the SLX4 protein (p.Val846Met). This variant is present in population databases (no rsID available, gnomAD 0.0009%). This variant has not been reported in the literature in individuals affected with SLX4-related conditions. Algorithms developed to predict the effect of missense changes on protein structure and function output the following: SIFT: "Tolerated"; PolyPhen-2: "Probably Damaging"; Align-GVGD: "Class C0". The methionine amino acid residue is found in multiple mammalian species, which suggests that this missense change does not adversely affect protein function. In summary, the available evidence is currently insufficient to determine the role of this variant in disease. Therefore, it has been classified as a Variant of Uncertain Significance.

NM_032444.4(SLX4):c.2536G>A (p.Val846Met)

Gene: SLX4 (SLX4 structure-specific endonuclease subunit; minus strand). Cytogenetic location: 16p13.3.
Variant type: single nucleotide variant.
Coding change: c.2536G>A on transcript NM_032444.4 (MANE Select); coding-DNA position 2536, G replaced by A.
Protein change: p.Val846Met; replaces valine 846 with methionine.
Molecular consequence: missense variant.
Genome position (GRCh38, 1-based): chr16:3,591,102, C>T on the plus strand (G>A on the coding strand, the complement: SLX4 is on the minus strand). VCF-style: chr16-3591102-C-T. GRCh37 (hg19) VCF-style: chr16-3641103-C-T.
Other names: short protein forms V846M.
Identifiers: ClinVar variation 1940931 (VCV001940931.2), dbSNP rs1024580926, ClinGen allele CA276959378.
Genomic context (GRCh38, chr16:3,591,102, plus strand): 5'-GGAGAAGCTTTCGCTGAGTAGCTGCAAATTCATAAATTTCTTCCATTTCTGCTTCATTCA[C>T]GTTTTCTTGATCTTCTTCGTGGTCCTTGGATTTCAACAAAGTCTCCGCTTCCTCCTCTTC-3'
Protein context (NP_115820.2, residues 836-856): SKDHEEDQEN[Val846Met]NEAEMEEIYE